The following is an entry in ClinVar:

NM_001033855.3(DCLRE1C):c.1445C>A (p.Ala482Asp)

Gene: DCLRE1C (DNA cross-link repair 1C; minus strand). Cytogenetic location: 10p13.
Variant type: single nucleotide variant.
Coding change: c.1445C>A on transcript NM_001033855.3 (MANE Select); coding-DNA position 1445, C replaced by A.
Protein change: p.Ala482Asp; replaces alanine 482 with aspartic acid.
Molecular consequence: missense variant. On other transcripts: non-coding transcript variant (4).
Genome position (GRCh38, 1-based): chr10:14,909,042, G>T on the plus strand (C>A on the coding strand, the complement: DCLRE1C is on the minus strand). VCF-style: chr10-14909042-G-T. GRCh37 (hg19) VCF-style: chr10-14951041-G-T.
Other names: c.1085C>A, p.Ala362Asp (NM_001033857.3, NM_001033858.3, NM_001289077.2 and 2 more transcripts); c.1100C>A, p.Ala367Asp (NM_001289076.2, NM_001289078.2, NM_001350966.2 and 1 more transcripts); c.1445C>A, p.Ala482Asp (NM_001350965.2); short protein forms A482D, A362D, A367D.
Identifiers: ClinVar variation 849966 (VCV000849966.7), dbSNP rs1834801118, ClinGen allele CA376075579.
Genomic context (GRCh38, chr10:14,909,042, plus strand): 5'-TCATCTGTGATTTCATCATTTCTTTTAAAGAATACTTCCCACTGGGGTACATCCCCATCA[G>T]CCTTTTGCAGGTGAAGTACAGAGCCCAGATCTCCTTGCAGTGAAGCTGGGATTCCTACTT-3'
Protein context (NP_001029027.1, residues 472-492): DLGSVLHLQK[Ala482Asp]DGDVPQWEVF

ClinVar aggregate classification (germline): Uncertain significance (1 of 4 stars; one submission).

Conditions:
Severe combined immunodeficiency due to DCLRE1C deficiency (RS-SCID). Also called: SCID, AUTOSOMAL RECESSIVE, T CELL-NEGATIVE, B CELL-NEGATIVE, NK CELL-POSITIVE, WITH SENSITIVITY TO IONIZING RADIATION. Identifiers: Orphanet 275, MedGen C1865371, MONDO:0011225, OMIM 602450.

Allele frequency attached by ClinVar (database versions not stated): gnomAD 0.00001.
gnomAD v4.1: 1 of 1,614,028 alleles (0.000062%); no homozygotes.

Submission:

Labcorp Genetics (formerly Invitae), Labcorp
Classification: Uncertain significance for Athabaskan severe combined immunodeficiency. Last evaluated: 2021-08-26. Review status: criteria provided, single submitter. Criteria: Invitae Variant Classification Sherloc (09022015). Collection method: clinical testing. Allele origin: germline.
Comment: This sequence change replaces alanine with aspartic acid at codon 482 of the DCLRE1C protein (p.Ala482Asp). The alanine residue is weakly conserved and there is a moderate physicochemical difference between alanine and aspartic acid. This variant is not present in population databases (ExAC no frequency). This variant has not been reported in the literature in individuals affected with DCLRE1C-related conditions. Algorithms developed to predict the effect of missense changes on protein structure and function (SIFT, PolyPhen-2, Align-GVGD) all suggest that this variant is likely to be tolerated. In summary, the available evidence is currently insufficient to determine the role of this variant in disease. Therefore, it has been classified as a Variant of Uncertain Significance.